The following is an entry in ClinVar:

NC_012920.1(MT-TQ):m.4384T>C

Gene: MT-TQ (mitochondrially encoded tRNA glutamine; minus strand).
Variant type: single nucleotide variant.
Genome position: chrM-4384-T-C.
Identifiers: ClinVar variation 689899 (VCV000689899.1), dbSNP rs1603219436, ClinGen allele CA913177956.

ClinVar aggregate classification (germline): Benign (1 of 4 stars; one submission).

Conditions:
MELAS syndrome (MELAS). Also called: Juvenile myopathy, encephalopathy, lactic acidosis, stroke. Identifiers: Orphanet 550, MedGen C0162671, MONDO:0010789, OMIM 540000.

Submission:

Wong Mito Lab, Molecular and Human Genetics, Baylor College of Medicine
Classification: Benign for MELAS syndrome. Last evaluated: 2019-07-12. Review status: criteria provided, single submitter. Criteria: Modified ACMG Guidelines (Unpublished). Collection method: clinical testing. Allele origin: germline.
Comment: The NC_012920.1:m.4384T>C variant in MT-TQ gene is interpreted to be a Benign variant based on the modified ACMG guidelines (unpublished). This variant meets the following evidence codes reported in the guidelines: BS1, BS4, BP4

Literature cited by the submitters: PubMed 31965079.